The following is an entry in ClinVar:

ClinVar aggregate classification (germline): Uncertain significance (1 of 4 stars; one submission).

Submission:

Labcorp Genetics (formerly Invitae), Labcorp
Classification: Uncertain significance. Last evaluated: 2021-11-15. Review status: criteria provided, single submitter. Criteria: Invitae Variant Classification Sherloc (09022015). Collection method: clinical testing. Allele origin: germline.
Comment: This sequence change replaces isoleucine, which is neutral and non-polar, with arginine, which is basic and polar, at codon 60 of the SLC26A3 protein (p.Ile60Arg). This variant is not present in population databases (gnomAD no frequency). This variant has not been reported in the literature in individuals affected with SLC26A3-related conditions. Advanced modeling of protein sequence and biophysical properties (such as structural, functional, and spatial information, amino acid conservation, physicochemical variation, residue mobility, and thermodynamic stability) performed at Invitae indicates that this missense variant is expected to disrupt SLC26A3 protein function. Algorithms developed to predict the effect of sequence changes on RNA splicing suggest that this variant may create or strengthen a splice site. In summary, the available evidence is currently insufficient to determine the role of this variant in disease. Therefore, it has been classified as a Variant of Uncertain Significance.

NM_000111.3(SLC26A3):c.179T>G (p.Ile60Arg)

Gene: SLC26A3 (solute carrier family 26 member 3; minus strand). Cytogenetic location: 7q22.3.
Variant type: single nucleotide variant.
Coding change: c.179T>G on transcript NM_000111.3 (MANE Select); coding-DNA position 179, T replaced by G.
Protein change: p.Ile60Arg; replaces isoleucine 60 with arginine.
Molecular consequence: missense variant.
Genome position (GRCh38, 1-based): chr7:107,793,834, A>C on the plus strand (T>G on the coding strand, the complement: SLC26A3 is on the minus strand). VCF-style: chr7-107793834-A-C. GRCh37 (hg19) VCF-style: chr7-107434279-A-C.
Other names: short protein forms I60R.
Identifiers: ClinVar variation 1393485 (VCV001393485.6), dbSNP rs1189027885, ClinGen allele CA368854250.
Genomic context (GRCh38, chr7:107,793,834, plus strand): 5'-CCAGAAACAATATCACTGAGCAACCATTCTTTAAGCCGGTATGCTGGCAACCAAGATGCT[A>C]TGGGGAACAAAGAGAGGACAATTCTCTTGGCCTTTTGTGGGGAACAGCTGAAAACATGGA-3'
Protein context (NP_000102.1, residues 50-70): AKRIVLSLFP[Ile60Arg]ASWLPAYRLK